The following is an entry in ClinVar:

ClinVar aggregate classification (germline): Conflicting classifications of pathogenicity. Review status: criteria provided, conflicting classifications (1 of 4 stars). 3 submissions from 3 submitters: Likely pathogenic (1); Uncertain significance (2). Last evaluated 2025-07-14.

Conditions:
Neuromuscular disease caused by qualitative or quantitative defects of dysferlin. Also called: Qualitative or quantitative defects of dysferlin; Dysferlinopathy. Identifiers: Orphanet 207073, MedGen C2931687, MONDO:0016145.

Submissions (3):

Athena Diagnostics
Classification: Uncertain significance. Last evaluated: 2025-07-14. Review status: criteria provided, single submitter. Criteria: Athena Diagnostics Criteria. Collection method: clinical testing. Allele origin: unknown.
Comment: Available data are insufficient to determine the clinical significance of the variant at this time. This variant has not been reported in large, multi-ethnic general populations. This variant has been identified in at least one individual with clinical features associated with this gene. Polyphen and MutationTaster predict this amino acid change may be damaging to the protein. At least one other missense variant at this codon is considered to be pathogenic or likely pathogenic, suggesting this variant may also cause disease.

GeneDx
Classification: Uncertain significance. Last evaluated: 2025-02-09. Review status: criteria provided, single submitter. Criteria: GeneDx Variant Classification Process June 2021. Collection method: clinical testing. Allele origin: germline. Affected: yes.
Comment: Has not been previously published as pathogenic or benign to our knowledge; In silico analysis supports that this missense variant has a deleterious effect on protein structure/function; Not observed at significant frequency in large population cohorts (gnomAD); This variant is associated with the following publications: (PMID: 24438169)

Labcorp Genetics (formerly Invitae), Labcorp
Classification: Likely pathogenic for Neuromuscular disease caused by qualitative or quantitative defects of dysferlin. Last evaluated: 2024-02-06. Review status: criteria provided, single submitter. Criteria: Invitae Variant Classification Sherloc (09022015). Collection method: clinical testing. Allele origin: germline.
Comment: This sequence change replaces arginine, which is basic and polar, with proline, which is neutral and non-polar, at codon 959 of the DYSF protein (p.Arg959Pro). This variant is not present in population databases (gnomAD no frequency). This variant has not been reported in the literature in individuals affected with DYSF-related conditions. ClinVar contains an entry for this variant (Variation ID: 1306535). Advanced modeling of protein sequence and biophysical properties (such as structural, functional, and spatial information, amino acid conservation, physicochemical variation, residue mobility, and thermodynamic stability) performed at Invitae indicates that this missense variant is expected to disrupt DYSF protein function with a positive predictive value of 95%. This variant disrupts the p.Arg959 amino acid residue in DYSF. Other variant(s) that disrupt this residue have been determined to be pathogenic (PMID: 14678801, 16934466, 19528035, 21522182). This suggests that this residue is clinically significant, and that variants that disrupt this residue are likely to be disease-causing. In summary, the currently available evidence indicates that the variant is pathogenic, but additional data are needed to prove that conclusively. Therefore, this variant has been classified as Likely Pathogenic.

Literature cited by the submitters: PubMed 14678801 (cited by Labcorp Genetics (formerly Invitae), Labcorp); PubMed 16934466 (cited by Labcorp Genetics (formerly Invitae), Labcorp); PubMed 19528035 (cited by Labcorp Genetics (formerly Invitae), Labcorp); PubMed 21522182 (cited by Labcorp Genetics (formerly Invitae), Labcorp).

NM_001130987.2(DYSF):c.2930G>C (p.Arg977Pro)

Gene: DYSF (dysferlin; plus strand). Cytogenetic location: 2p13.2.
Variant type: single nucleotide variant.
Coding change: c.2930G>C on transcript NM_001130987.2 (MANE Select); coding-DNA position 2930, G replaced by C.
Protein change: p.Arg977Pro; replaces arginine 977 with proline.
Molecular consequence: missense variant.
Genome position (GRCh38, 1-based): chr2:71,569,885, G>C. VCF-style: chr2-71569885-G-C. GRCh37 (hg19) VCF-style: chr2-71797015-G-C.
Other names: c.2876G>C, p.Arg959Pro (NM_001130978.2, NM_003494.4); c.2969G>C, p.Arg990Pro (NM_001130979.2); c.2927G>C, p.Arg976Pro (NM_001130980.2, NM_001130981.2); c.2972G>C, p.Arg991Pro (NM_001130982.2); c.2879G>C, p.Arg960Pro (NM_001130983.2, NM_001130455.2); c.2837G>C, p.Arg946Pro (NM_001130984.2, NM_001130986.2); c.2930G>C, p.Arg977Pro (NM_001130985.2); c.2834G>C, p.Arg945Pro (NM_001130976.2, NM_001130977.2); short protein forms R945P, R946P, R959P, R960P, R976P, R977P, R990P, R991P.
Identifiers: ClinVar variation 1306535 (VCV001306535.8), dbSNP rs752689148, ClinGen allele CA347216100.